The following is an entry in ClinVar:

GRCh38/hg38 Xq28(chrX:149429424-149617725)x0

Genes: EOLA1 (endothelium and lymphocyte associated ASCH domain 1; plus strand), EOLA1-DT (EOLA1 divergent transcript; minus strand), HSFX2 (heat shock transcription factor family, X-linked 2; minus strand), HSFX3 (heat shock transcription factor family, X-linked member 3; minus strand), IDS (iduronate 2-sulfatase; minus strand) and 12 more. Cytogenetic location: Xq28.
Variant type: copy number loss.
Change: copy number 0 of chrX:149,429,424-149,617,725 (188.3 kb, GRCh38 coordinates, 1-based), cytogenetic band Xq28.
Identifiers: ClinVar variation 58007 (VCV000058007.2).

ClinVar aggregate classification (germline): Pathogenic (1 of 4 stars; one submission).

Submission:

ISCA site 15
Classification: Pathogenic. Last evaluated: 2011-08-12. Review status: criteria provided, single submitter. Criteria: Kaminsky et al. (Genet Med. 2011). Collection method: clinical testing. Allele origin: unknown. Affected: yes. Observed: 1 variant allele.
Comment: Copy number variation identified through the course of routine clinical cytogenomic testing in postnatal populations. Clinical assertions have been curated as described in Kaminsky et al. 2011.